The following is an entry in ClinVar:

ClinVar aggregate classification (germline): Uncertain significance (1 of 4 stars; one submission).

Allele frequency attached by ClinVar (database versions not stated): TOPMed below 0.00001; gnomAD 0.00001; ExAC 0.00002; gnomAD exomes 0.00003.
gnomAD v4.1: 47 of 1,595,656 alleles (0.0029%); highest among the groups gnomAD compares: East Asian, 0.1%; no homozygotes.

Submission:

Labcorp Genetics (formerly Invitae), Labcorp
Classification: Uncertain significance. Last evaluated: 2022-07-15. Review status: criteria provided, single submitter. Criteria: Invitae Variant Classification Sherloc (09022015). Collection method: clinical testing. Allele origin: germline.
Comment: In summary, the available evidence is currently insufficient to determine the role of this variant in disease. Therefore, it has been classified as a Variant of Uncertain Significance. Algorithms developed to predict the effect of missense changes on protein structure and function (SIFT, PolyPhen-2, Align-GVGD) all suggest that this variant is likely to be tolerated. This variant has not been reported in the literature in individuals affected with DOCK6-related conditions. This variant is present in population databases (rs766764298, gnomAD 0.03%). This sequence change replaces proline, which is neutral and non-polar, with threonine, which is neutral and polar, at codon 238 of the DOCK6 protein (p.Pro238Thr).

NM_020812.4(DOCK6):c.712C>A (p.Pro238Thr)

Gene: DOCK6 (dedicator of cytokinesis 6; minus strand). Cytogenetic location: 19p13.2.
Variant type: single nucleotide variant.
Coding change: c.712C>A on transcript NM_020812.4 (MANE Select); coding-DNA position 712, C replaced by A.
Protein change: p.Pro238Thr; replaces proline 238 with threonine.
Molecular consequence: missense variant.
Genome position (GRCh38, 1-based): chr19:11,250,882, G>T on the plus strand (C>A on the coding strand, the complement: DOCK6 is on the minus strand). VCF-style: chr19-11250882-G-T. GRCh37 (hg19) VCF-style: chr19-11361558-G-T.
Other names: c.712C>A, p.Pro238Thr (NM_001367830.1); short protein forms P238T.
Identifiers: ClinVar variation 2179276 (VCV002179276.4), dbSNP rs766764298, ClinGen allele CA9208396.